The following is an entry in ClinVar:

ClinVar aggregate classification (germline): Uncertain significance (1 of 4 stars; one submission).

Conditions:
Ehlers-Danlos syndrome, dermatosparaxis type. Also called: Dermatosparaxis; EDS VIIC; Ehlers-Danlos syndrome, type VII, autosomal recessive. Identifiers: Orphanet 1901, MedGen C2700425, MONDO:0009161, OMIM 225410.

Allele frequency attached by ClinVar (database versions not stated): gnomAD exomes below 0.00001 and 0.00001; gnomAD 0.00001 and 0.00002.
gnomAD v4.1: 13 of 1,606,592 alleles (0.00081%); highest among the groups gnomAD compares: African/African-American, 0.0027%; no homozygotes.

Submission:

Labcorp Genetics (formerly Invitae), Labcorp
Classification: Uncertain significance for Ehlers-Danlos syndrome, dermatosparaxis type. Last evaluated: 2021-08-27. Review status: criteria provided, single submitter. Criteria: Invitae Variant Classification Sherloc (09022015). Collection method: clinical testing. Allele origin: germline.
Comment: This sequence change replaces arginine with glutamine at codon 980 of the ADAMTS2 protein (p.Arg980Gln). The arginine residue is highly conserved and there is a small physicochemical difference between arginine and glutamine. This variant is not present in population databases (ExAC no frequency). This variant has not been reported in the literature in individuals affected with ADAMTS2-related conditions. Algorithms developed to predict the effect of missense changes on protein structure and function output the following: SIFT: "Deleterious"; PolyPhen-2: "Possibly Damaging"; Align-GVGD: "Class C35". The glutamine amino acid residue is found in multiple mammalian species, which suggests that this missense change does not adversely affect protein function. In summary, the available evidence is currently insufficient to determine the role of this variant in disease. Therefore, it has been classified as a Variant of Uncertain Significance.

NM_014244.5(ADAMTS2):c.2939G>A (p.Arg980Gln)

Gene: ADAMTS2 (ADAM metallopeptidase with thrombospondin type 1 motif 2; minus strand). Cytogenetic location: 5q35.3.
Variant type: single nucleotide variant.
Coding change: c.2939G>A on transcript NM_014244.5 (MANE Select); coding-DNA position 2939, G replaced by A.
Protein change: p.Arg980Gln; replaces arginine 980 with glutamine.
Molecular consequence: missense variant.
Genome position (GRCh38, 1-based): chr5:179,124,992, C>T on the plus strand (G>A on the coding strand, the complement: ADAMTS2 is on the minus strand). VCF-style: chr5-179124992-C-T. GRCh37 (hg19) VCF-style: chr5-178551993-C-T.
Other names: short protein forms R980Q.
Identifiers: ClinVar variation 1037366 (VCV001037366.6), dbSNP rs1441303816, ClinGen allele CA362419807.